The following is an entry in ClinVar:

NM_002734.5(PRKAR1A):c.-6-7C>T

Gene: PRKAR1A (protein kinase cAMP-dependent type I regulatory subunit alpha; plus strand). Cytogenetic location: 17q24.2.
Variant type: single nucleotide variant.
Coding change: c.-6-7C>T on transcript NM_002734.5 (MANE Select); 7 bases into the intron before 6 bases upstream of the start codon, C replaced by T.
Molecular consequence: intron variant.
Genome position (GRCh38, 1-based): chr17:68,515,387, C>T. VCF-style: chr17-68515387-C-T. GRCh37 (hg19) VCF-style: chr17-66511528-C-T.
Other names: c.-6-7C>T (NM_001278433.2, NM_001369389.1, NM_212471.3 and 3 more transcripts).
Identifiers: ClinVar variation 324780 (VCV000324780.16), dbSNP rs373646911, ClinGen allele CA8729132.

ClinVar aggregate classification (germline): Benign/Likely benign. Review status: criteria provided, multiple submitters, no conflicts (2 of 4 stars). 4 submissions from 3 submitters: Benign (1); Likely benign (3). Last evaluated 2025-12-05.

Conditions:
Acrodysostosis 1 with or without hormone resistance (ACRDYS1). Also called: ACRODYSOSTOSIS 1 WITH HORMONE RESISTANCE; ACRODYSOSTOSIS 1 WITHOUT HORMONE RESISTANCE; ACRODYSOSTOSIS WITH HORMONE RESISTANCE. Identifiers: Orphanet 280651, MedGen C3276228, MONDO:0007044, OMIM 101800.
Carney complex, type 1 (CNC1). Also called: CARNEY MYXOMA-ENDOCRINE COMPLEX; CARNEY COMPLEX, TYPE I. Identifiers: Orphanet 1359, MedGen C2607929, MONDO:0008057, OMIM 160980.

Allele frequency attached by ClinVar (database versions not stated): TOPMed 0.00001; ExAC 0.00002; gnomAD exomes 0.00002; ESP Exome Variant Server 0.00008.
gnomAD v4.1: 31 of 1,612,728 alleles (0.0019%); highest among the groups gnomAD compares: Non-Finnish European, 0.0025%; no homozygotes.

Submissions (4):

Labcorp Genetics (formerly Invitae), Labcorp
Classification: Likely benign for Carney complex, type 1. Last evaluated: 2025-12-05. Review status: criteria provided, single submitter. Criteria: Invitae Variant Classification Sherloc (09022015). Collection method: clinical testing. Allele origin: germline.

Blueprint Genetics
Classification: Likely benign. Last evaluated: 2022-10-28. Review status: criteria provided, single submitter. Criteria: ACMG Guidelines, 2015. Collection method: clinical testing. Allele origin: germline.

Illumina Laboratory Services, Illumina
Classification: Likely benign for Acrodysostosis 1 with or without hormone resistance. Last evaluated: 2018-01-12. Review status: criteria provided, single submitter. Criteria: ICSL Variant Classification Criteria 13 December 2019. Collection method: clinical testing. Allele origin: germline.
Comment: This variant was observed in the ICSL laboratory as part of a predisposition screen in an ostensibly healthy population. It had not been previously curated by ICSL or reported in the Human Gene Mutation Database (HGMD: prior to June 1st, 2018), and was therefore a candidate for classification through an automated scoring system. Utilizing variant allele frequency, disease prevalence and penetrance estimates, and inheritance mode, an automated score was calculated to assess if this variant is too frequent to cause the disease. Based on the score and internal cut-off values, a variant classified as likely benign is not then subjected to further curation. The score for this variant resulted in a classification of likely benign for this disease.

Illumina Laboratory Services, Illumina
Classification: Benign for Carney complex, type 1. Last evaluated: 2018-01-12. Review status: criteria provided, single submitter. Criteria: ICSL Variant Classification Criteria 13 December 2019. Collection method: clinical testing. Allele origin: germline.
Comment: This variant was observed in the ICSL laboratory as part of a predisposition screen in an ostensibly healthy population. It had not been previously curated by ICSL or reported in the Human Gene Mutation Database (HGMD: prior to June 1st, 2018), and was therefore a candidate for classification through an automated scoring system. Utilizing variant allele frequency, disease prevalence and penetrance estimates, and inheritance mode, an automated score was calculated to assess if this variant is too frequent to cause the disease. Based on the score and internal cut-off values, a variant classified as benign is not then subjected to further curation. The score for this variant resulted in a classification of benign for this disease.